The following is an entry in ClinVar:

ClinVar aggregate classification (germline): Likely pathogenic (1 of 4 stars; one submission).

Conditions:
Succinate-semialdehyde dehydrogenase deficiency (SSADHD). Also called: Succinic Semialdehyde Dehydrogenase Deficiency; SSADH DEFICIENCY; 4-HYDROXYBUTYRIC ACIDURIA; GABA METABOLIC DEFECT. Identifiers: Orphanet 22, MedGen C0268631, MONDO:0010083, OMIM 271980.

Submission:

Elsea Laboratory, Baylor College of Medicine
Classification: Likely pathogenic for Succinate-semialdehyde dehydrogenase deficiency. Last evaluated: 2021-03-08. Review status: criteria provided, single submitter. Criteria: Martin et al. (J Child Neurol. 2021). Collection method: curation. Allele origin: germline. Affected: yes.
Comment: oligomerization domain

Literature cited by the submitters: PubMed 23926001; PubMed 33203024.

NM_001080.3(ALDH5A1):c.527G>A (p.Gly176Glu)

Gene: ALDH5A1 (aldehyde dehydrogenase 5 family member A1; plus strand). Cytogenetic location: 6p22.3.
Variant type: single nucleotide variant.
Coding change: c.527G>A on transcript NM_001080.3 (MANE Select); coding-DNA position 527, G replaced by A.
Protein change: p.Gly176Glu; replaces glycine 176 with glutamic acid.
Molecular consequence: missense variant.
Genome position (GRCh38, 1-based): chr6:24,503,351, G>A. VCF-style: chr6-24503351-G-A. GRCh37 (hg19) VCF-style: chr6-24503579-G-A.
Other names: c.527G>A, p.Gly176Glu (NM_001368954.1, NM_170740.1); short protein forms G176E.
Identifiers: ClinVar variation 1878449 (VCV001878449.3), dbSNP rs2532832592, ClinGen allele CA362969574.